The following is an entry in ClinVar:

NM_001365276.2(TNXB):c.4028T>C (p.Val1343Ala)

Gene: TNXB (tenascin XB; minus strand). Cytogenetic location: 6p21.33.
Variant type: single nucleotide variant.
Coding change: c.4028T>C on transcript NM_001365276.2 (MANE Select); coding-DNA position 4028, T replaced by C.
Protein change: p.Val1343Ala; replaces valine 1343 with alanine.
Molecular consequence: missense variant.
Genome position (GRCh38, 1-based): chr6:32,081,382, A>G on the plus strand (T>C on the coding strand, the complement: TNXB is on the minus strand). VCF-style: chr6-32081382-A-G. GRCh37 (hg19) VCF-style: chr6-32049159-A-G.
Other names: c.4769T>C, p.Val1590Ala (NM_001428335.1); c.4028T>C, p.Val1343Ala (NM_019105.8); short protein forms V1343A, V1590A.
Identifiers: ClinVar variation 3459746 (VCV003459746.1).

ClinVar aggregate classification (germline): Uncertain significance (1 of 4 stars; one submission).

Conditions:
Cardiovascular phenotype. Identifiers: MedGen CN230736.

Submission:

Ambry Genetics
Classification: Uncertain significance for Cardiovascular phenotype. Last evaluated: 2024-06-26. Review status: criteria provided, single submitter. Criteria: Ambry Variant Classification Scheme 2023. Collection method: clinical testing. Allele origin: germline.
Comment: The p.V1343A variant (also known as c.4028T>C), located in coding exon 9 of the TNXB gene, results from a T to C substitution at nucleotide position 4028. The valine at codon 1343 is replaced by alanine, an amino acid with similar properties. This amino acid position is conserved. In addition, this alteration is predicted to be tolerated by in silico analysis. Based on the available evidence, the clinical significance of this variant remains unclear.